The following is an entry in ClinVar:

NM_021072.4(HCN1):c.216C>T (p.Gly72=)

Gene: HCN1 (hyperpolarization activated cyclic nucleotide gated potassium channel 1; minus strand). Cytogenetic location: 5p12.
Variant type: single nucleotide variant.
Coding change: c.216C>T on transcript NM_021072.4 (MANE Select); coding-DNA position 216, C replaced by T.
Protein change: p.Gly72=; no amino-acid change (glycine 72 retained).
Molecular consequence: synonymous variant.
Genome position (GRCh38, 1-based): chr5:45,695,878, G>A on the plus strand (C>T on the coding strand, the complement: HCN1 is on the minus strand). VCF-style: chr5-45695878-G-A. GRCh37 (hg19) VCF-style: chr5-45695980-G-A.
Identifiers: ClinVar variation 2122188 (VCV002122188.6), dbSNP rs1307465057, ClinGen allele CA444402132.

ClinVar aggregate classification (germline): Likely benign. Review status: criteria provided, multiple submitters, no conflicts (2 of 4 stars). 2 submissions from 2 submitters: Likely benign (2). Last evaluated 2026-08-01.

Conditions:
Early-infantile DEE. Also called: Ohtahara syndrome; Early infantile epileptic encephalopathy; Early infantile epileptic encephalopathy with suppression bursts. Identifiers: Orphanet 1934, MedGen C0393706, MONDO:0800491.

Allele frequency attached by ClinVar (database versions not stated): gnomAD exomes below 0.00001; TOPMed 0.00001.
gnomAD v4.1: 2 of 1,523,526 alleles (0.00013%); highest among the groups gnomAD compares: Non-Finnish European, 0.00018%; no homozygotes.

Submissions (2):

CeGaT Center for Human Genetics Tuebingen
Classification: Likely benign. Last evaluated: 2026-08-01. Review status: criteria provided, single submitter. Criteria: CeGaT Center For Human Genetics Tuebingen Variant Classification Criteria Version 2. Collection method: clinical testing. Allele origin: germline. Affected: yes. Observed: 4 variant alleles.
Comment: HCN1: BP4, BP7

Labcorp Genetics (formerly Invitae), Labcorp
Classification: Likely benign for Early-infantile DEE. Last evaluated: 2022-04-13. Review status: criteria provided, single submitter. Criteria: Invitae Variant Classification Sherloc (09022015). Collection method: clinical testing. Allele origin: germline.